The following is an entry in ClinVar:

NM_005236.3(ERCC4):c.*1472C>T

Gene: ERCC4 (ERCC excision repair 4, endonuclease catalytic subunit; plus strand). Cytogenetic location: 16p13.12.
Variant type: single nucleotide variant.
Coding change: c.*1472C>T on transcript NM_005236.3 (MANE Select); 1472 bases downstream of the stop codon, C replaced by T.
Molecular consequence: 3 prime UTR variant.
Genome position (GRCh38, 1-based): chr16:13,949,819, C>T. VCF-style: chr16-13949819-C-T. GRCh37 (hg19) VCF-style: chr16-14043676-C-T.
Identifiers: ClinVar variation 885958 (VCV000885958.4), dbSNP rs112742002, ClinGen allele CA278487121.
Genomic context (GRCh38, chr16:13,949,819, plus strand): 5'-TATTAAGTTGGCTTTTGTTCACATGTTGAGTAATGGGTAGTAAATTTTCTACCTCAGGAG[C>T]TGATATAGACATCAGTTCTGCTAGCCATATCACATATTTTAATGTTTCATCAACATCAGC-3'

ClinVar aggregate classification (germline): Benign (1 of 4 stars; one submission).

Conditions:
Xeroderma pigmentosum, group F (XPF). Also called: XERODERMA PIGMENTOSUM, TYPE F; Xeroderma pigmentosum, type 6; XERODERMA PIGMENTOSUM, COMPLEMENTATION GROUP F; XERODERMA PIGMENTOSUM VI; XP, GROUP F; ERCC4-Related Xeroderma Pigmentosum. Identifiers: MedGen C0268140, MONDO:0010215, OMIM 278760.

Allele frequency attached by ClinVar (database versions not stated): gnomAD exomes 0.00097; 1000 Genomes Project 0.00459; gnomAD 0.00496 and 0.00528; 1000 Genomes Project 30x 0.00547; TOPMed 0.00555.
gnomAD v4.1: 831 of 232,274 alleles (0.36%); highest among the groups gnomAD compares: African/African-American, 1.7%; 10 homozygotes.

Submission:

Illumina Laboratory Services, Illumina
Classification: Benign for Xeroderma pigmentosum, group F. Last evaluated: 2017-04-27. Review status: criteria provided, single submitter. Criteria: ICSL Variant Classification Criteria 13 December 2019. Collection method: clinical testing. Allele origin: germline.
Comment: This variant was observed as part of a predisposition screen in an ostensibly healthy population. A literature search was performed for the gene, cDNA change, and amino acid change (where applicable). No publications were found based on this search. Allele frequency data from public databases was too high to be consistent with this variant causing disease. Therefore, this variant is classified as benign.